The following is an entry in ClinVar:

NM_001161403.3(LIMS2):c.385C>G (p.Arg129Gly)

Gene: LIMS2 (LIM zinc finger domain containing 2; minus strand). Cytogenetic location: 2q14.3.
Variant type: single nucleotide variant.
Coding change: c.385C>G on transcript NM_001161403.3 (MANE Select); coding-DNA position 385, C replaced by G.
Protein change: p.Arg129Gly; replaces arginine 129 with glycine.
Molecular consequence: missense variant. On other transcripts: 5 prime UTR variant (1).
Genome position (GRCh38, 1-based): chr2:127,643,047, G>C on the plus strand (C>G on the coding strand, the complement: LIMS2 is on the minus strand). VCF-style: chr2-127643047-G-C. GRCh37 (hg19) VCF-style: chr2-128400622-G-C.
Other names: c.451C>G, p.Arg151Gly (NM_001136037.4); c.370C>G, p.Arg124Gly (NM_001161404.2); c.-72C>G (NM_001256542.2); c.457C>G, p.Arg153Gly (NM_017980.5); short protein forms R124G, R129G, R151G, R153G.
Identifiers: ClinVar variation 1056461 (VCV001056461.11), dbSNP rs145123078, ClinGen allele CA55427828.

ClinVar aggregate classification (germline): Uncertain significance (1 of 4 stars; one submission).

Conditions:
Autosomal recessive limb-girdle muscular dystrophy type 2W (MDRCMTT). Also called: Muscular dystrophy, autosomal recessive, with cardiomyopathy and triangular tongue; Muscular dystrophy, limb-girdle, type 2W. Identifiers: MedGen C4225192, MONDO:0014788, OMIM 616827.

gnomAD v4.1: 2 of 1,585,072 alleles (0.00013%); highest among the groups gnomAD compares: African/African-American, 0.0027%; no homozygotes.

Submission:

Labcorp Genetics (formerly Invitae), Labcorp
Classification: Uncertain significance for Autosomal recessive limb-girdle muscular dystrophy type 2W. Last evaluated: 2021-05-30. Review status: criteria provided, single submitter. Criteria: Invitae Variant Classification Sherloc (09022015). Collection method: clinical testing. Allele origin: germline.
Comment: This sequence change replaces arginine with glycine at codon 151 of the LIMS2 protein (p.Arg151Gly). The arginine residue is highly conserved and there is a moderate physicochemical difference between arginine and glycine. This variant is not present in population databases (ExAC no frequency). This variant has not been reported in the literature in individuals with LIMS2-related conditions. Algorithms developed to predict the effect of missense changes on protein structure and function are either unavailable or do not agree on the potential impact of this missense change (SIFT: "Deleterious"; PolyPhen-2: "Benign"; Align-GVGD: "Class C45"). Algorithms developed to predict the effect of sequence changes on RNA splicing suggest that this variant may create or strengthen a splice site, but this prediction has not been confirmed by published transcriptional studies. In summary, the available evidence is currently insufficient to determine the role of this variant in disease. Therefore, it has been classified as a Variant of Uncertain Significance.